The following is an entry in ClinVar:

NM_017636.4(TRPM4):c.2790_2801del (p.Phe933_Phe936del)

Gene: TRPM4 (transient receptor potential cation channel subfamily M member 4; plus strand). Cytogenetic location: 19q13.33.
Variant type: Deletion.
Coding change: c.2790_2801del on transcript NM_017636.4 (MANE Select); coding-DNA positions 2790 to 2801, 12 bases deleted (GTTCTTCTTCCT).
Protein change: p.Phe933_Phe936del.
Molecular consequence: inframe deletion.
Genome position (GRCh38, 1-based): chr19:49,200,622-49,200,633, GTTCTTCTTCCT deleted; deleting any 12 consecutive bases within chr19:49,200,621-49,200,633 gives the same sequence; the c. name uses the placement nearest the transcript's 3' end. VCF-style (leftmost placement, unchanged base first): chr19-49200620-GTGTTCTTCTTCC-G. GRCh37 (hg19) VCF-style: chr19-49703877-GTGTTCTTCTTCC-G.
Other names: c.2355_2366del, p.Phe788_Phe791del (NM_001195227.2); c.2445_2456del, p.Phe818_Phe821del (NM_001321281.2); c.1182_1193del, p.Phe397_Phe400del (NM_001321282.2); c.2268_2279del, p.Phe759_Phe762del (NM_001321283.2); c.1728_1739del, p.Phe579_Phe582del (NM_001321285.2).
Identifiers: ClinVar variation 1796035 (VCV001796035.6), dbSNP rs766411419, ClinGen allele CA9569679.

ClinVar aggregate classification (germline): Uncertain significance. Review status: criteria provided, multiple submitters, no conflicts (2 of 4 stars). 2 submissions from 2 submitters: Uncertain significance (2). Last evaluated 2024-05-07.

Conditions:
Cardiovascular phenotype. Identifiers: MedGen CN230736.
Progressive familial heart block type IB (PFHB1B). Identifiers: Orphanet 871, MedGen C1970298, MONDO:0011474, OMIM 604559.

Submissions (2):

Ambry Genetics
Classification: Uncertain significance for Cardiovascular phenotype. Last evaluated: 2024-05-07. Review status: criteria provided, single submitter. Criteria: Ambry Variant Classification Scheme 2023. Collection method: clinical testing. Allele origin: germline.
Comment: The c.2790_2801del12 variant (also known as p.F933_F936del) is located in coding exon 19 of the TRPM4 gene. This variant results from an in-frame GTTCTTCTTCCT deletion at nucleotide positions 2790 to 2801. This results in the in-frame deletion of four amino acids from codons 933 to 936. This amino acid region is well conserved in available vertebrate species. In addition, this alteration is predicted to be deleterious by in silico analysis (Choi Y et al. PLoS ONE. 2012; 7(10):e46688). Based on data from gnomAD, this allele has an overall frequency of 0.001% (3/249780) total alleles studied. The highest observed frequency was 0.006% (1/16200) of African/African American alleles. Based on the available evidence, the clinical significance of this variant remains unclear.

Labcorp Genetics (formerly Invitae), Labcorp
Classification: Uncertain significance for Progressive familial heart block type IB. Last evaluated: 2023-06-17. Review status: criteria provided, single submitter. Criteria: Invitae Variant Classification Sherloc (09022015). Collection method: clinical testing. Allele origin: germline.
Comment: This variant, c.2790_2801del, results in the deletion of 4 amino acid(s) of the TRPM4 protein (p.Phe933_Phe936del), but otherwise preserves the integrity of the reading frame. This variant is present in population databases (rs766411419, gnomAD 0.007%). This variant has not been reported in the literature in individuals affected with TRPM4-related conditions. ClinVar contains an entry for this variant (Variation ID: 1796035). Algorithms developed to predict the effect of sequence changes on RNA splicing suggest that this variant may disrupt the consensus splice site. In summary, the available evidence is currently insufficient to determine the role of this variant in disease. Therefore, it has been classified as a Variant of Uncertain Significance.